The following is an entry in ClinVar:

NM_000376.3(VDR):c.542A>G (p.Asp181Gly)

Gene: VDR (vitamin D receptor; minus strand). Cytogenetic location: 12q13.11.
Variant type: single nucleotide variant.
Coding change: c.542A>G on transcript NM_000376.3 (MANE Select); coding-DNA position 542, A replaced by G.
Protein change: p.Asp181Gly; replaces aspartic acid 181 with glycine.
Molecular consequence: missense variant.
Genome position (GRCh38, 1-based): chr12:47,857,170, T>C on the plus strand (A>G on the coding strand, the complement: VDR is on the minus strand). VCF-style: chr12-47857170-T-C. GRCh37 (hg19) VCF-style: chr12-48250953-T-C.
Other names: c.542A>G, p.Asp181Gly (NM_001017535.2, NM_001364085.2, NM_001374661.1 and 1 more transcripts); c.692A>G, p.Asp231Gly (NM_001017536.2); c.542A>G (NM_001017535.1); short protein forms D231G, D181G.
Identifiers: ClinVar variation 1036372 (VCV001036372.8), dbSNP rs751673811, ClinGen allele CA6533917.
Genomic context (GRCh38, chr12:47,857,170, plus strand): 5'-GGACTGAAGTCCTGCTTACCTGAAGAGGTGATACAGTGATCTGAGCAGGAGGAGGAGGAG[T>C]CCCCAGAGAAGCTGGGAGTGTGTCTGGAGTTGGGCCTGGAAGGATGGCTCCCTCCACCAT-3'
Protein context (NP_000367.1, residues 171-191): NSRHTPSFSG[Asp181Gly]SSSSCSDHCI

ClinVar aggregate classification (germline): Uncertain significance. Review status: criteria provided, multiple submitters, no conflicts (2 of 4 stars). 4 submissions from 4 submitters: Uncertain significance (4). Last evaluated 2024-01-24.

Conditions:
Inborn genetic diseases. Identifiers: MedGen C0950123, MeSH D030342.
Vitamin D-dependent rickets type II with alopecia (VDDR2A). Also called: GENERALIZED RESISTANCE TO 1,25-DIHYDROXYVITAMIN D; HYPOCALCEMIC VITAMIN D-RESISTANT RICKETS; PDDR IIA; PSEUDOVITAMIN D-DEFICIENCY, TYPE IIA; RICKETS, HEREDITARY VITAMIN D-RESISTANT; RICKETS-ALOPECIA SYNDROME. Identifiers: Orphanet 93160, MedGen C0342646, MONDO:0010186, OMIM 277440.

Allele frequency attached by ClinVar (database versions not stated): gnomAD 0.00001; gnomAD exomes 0.00003 and 0.00007; TOPMed 0.00004; ExAC 0.00005.
gnomAD v4.1: 55 of 1,613,258 alleles (0.0034%); highest among the groups gnomAD compares: Middle Eastern, 0.49%; 1 homozygote.

Submissions (4):

Ambry Genetics
Classification: Uncertain significance for Inborn genetic diseases. Last evaluated: 2024-01-24. Review status: criteria provided, single submitter. Criteria: Ambry Variant Classification Scheme 2023. Collection method: clinical testing. Allele origin: germline.

Labcorp Genetics (formerly Invitae), Labcorp
Classification: Uncertain significance. Last evaluated: 2021-09-01. Review status: criteria provided, single submitter. Criteria: Invitae Variant Classification Sherloc (09022015). Collection method: clinical testing. Allele origin: germline.
Comment: This sequence change replaces aspartic acid with glycine at codon 181 of the VDR protein (p.Asp181Gly). The aspartic acid residue is weakly conserved and there is a moderate physicochemical difference between aspartic acid and glycine. This variant is present in population databases (rs751673811, ExAC 0.009%). This variant has not been reported in the literature in individuals affected with VDR-related conditions. Algorithms developed to predict the effect of missense changes on protein structure and function (SIFT, PolyPhen-2, Align-GVGD) all suggest that this variant is likely to be tolerated. In summary, the available evidence is currently insufficient to determine the role of this variant in disease. Therefore, it has been classified as a Variant of Uncertain Significance.

Department of Pathology and Laboratory Medicine, Sinai Health System
Classification: Uncertain significance for Vitamin D-dependent rickets type II with alopecia. Last evaluated: 2021-07-30. Review status: criteria provided, single submitter. Criteria: ACMG Guidelines, 2015. Collection method: research. Allele origin: germline.

Breakthrough Genomics
Classification: Uncertain significance. Review status: criteria provided, single submitter. Criteria: ACMG Guidelines, 2015. Collection method: not provided. Allele origin: germline. Inheritance: Autosomal recessive inheritance. Affected: yes.